The following is an entry in ClinVar:

NM_002691.4(POLD1):c.3043T>C (p.Cys1015Arg)

Gene: POLD1 (DNA polymerase delta 1, catalytic subunit; plus strand). Cytogenetic location: 19q13.33.
Variant type: single nucleotide variant.
Coding change: c.3043T>C on transcript NM_002691.4 (MANE Select); coding-DNA position 3043, T replaced by C.
Protein change: p.Cys1015Arg; replaces cysteine 1015 with arginine.
Molecular consequence: missense variant. On other transcripts: non-coding transcript variant (1).
Genome position (GRCh38, 1-based): chr19:50,416,699, T>C. VCF-style: chr19-50416699-T-C. GRCh37 (hg19) VCF-style: chr19-50919956-T-C.
Other names: c.3043T>C, p.Cys1015Arg (NM_001256849.1); c.3121T>C, p.Cys1041Arg (NM_001308632.1); short protein forms C1041R, C1015R.
Identifiers: ClinVar variation 2004656 (VCV002004656.4), dbSNP rs2122497971, ClinGen allele CA406986982.

ClinVar aggregate classification (germline): Uncertain significance (1 of 4 stars; one submission).

Conditions:
POLD1-related polyposis and colorectal cancer syndrome (CRCS10). Also called: Colorectal cancer 10; COLORECTAL CANCER, SUSCEPTIBILITY TO, ON CHROMOSOME 19q; Colorectal cancer, susceptibility to, 10. Identifiers: Orphanet 220460, MedGen C2675481, MONDO:0012953, OMIM 612591.

Submission:

Labcorp Genetics (formerly Invitae), Labcorp
Classification: Uncertain significance for POLD1-related polyposis and colorectal cancer syndrome. Last evaluated: 2022-06-11. Review status: criteria provided, single submitter. Criteria: Invitae Variant Classification Sherloc (09022015). Collection method: clinical testing. Allele origin: germline.
Comment: In summary, the available evidence is currently insufficient to determine the role of this variant in disease. Therefore, it has been classified as a Variant of Uncertain Significance. Algorithms developed to predict the effect of missense changes on protein structure and function are either unavailable or do not agree on the potential impact of this missense change (SIFT: "Deleterious"; PolyPhen-2: "Probably Damaging"; Align-GVGD: "Class C0"). This variant has not been reported in the literature in individuals affected with POLD1-related conditions. This variant is not present in population databases (gnomAD no frequency). This sequence change replaces cysteine, which is neutral and slightly polar, with arginine, which is basic and polar, at codon 1015 of the POLD1 protein (p.Cys1015Arg).